The following is an entry in ClinVar:

NM_153704.6(TMEM67):c.1168C>T (p.Pro390Ser)

Gene: TMEM67 (transmembrane protein 67; plus strand). Cytogenetic location: 8q22.1.
Variant type: single nucleotide variant.
Coding change: c.1168C>T on transcript NM_153704.6 (MANE Select); coding-DNA position 1168, C replaced by T.
Protein change: p.Pro390Ser; replaces proline 390 with serine.
Molecular consequence: missense variant. On other transcripts: non-coding transcript variant (1).
Genome position (GRCh38, 1-based): chr8:93,785,258, C>T. VCF-style: chr8-93785258-C-T. GRCh37 (hg19) VCF-style: chr8-94797486-C-T.
Other names: c.925C>T, p.Pro309Ser (NM_001142301.1); short protein forms P309S, P390S.
Identifiers: ClinVar variation 5001963 (VCV005001963.1).

ClinVar aggregate classification (germline): Uncertain significance (1 of 4 stars; one submission).

Conditions:
TMEM67-related disorder. Also called: TMEM67-related disorders; TMEM67-related condition. Identifiers: MedGen CN239423.

gnomAD v4.1: 1 of 1,597,504 alleles (0.000063%); highest among the groups gnomAD compares: Non-Finnish European, 0.000086%; no homozygotes.

Submission:

PreventionGenetics, part of Exact Sciences
Classification: Uncertain significance for TMEM67-related condition. Last evaluated: 2026-05-12. Review status: criteria provided, single submitter. Criteria: ACMG Guidelines, 2015. Collection method: clinical testing. Allele origin: germline.
Comment: The TMEM67 c.1168C>T variant is predicted to result in the amino acid substitution p.Pro390Ser. To our knowledge, this variant has not been reported in the literature or in a large population database (gnomAD), indicating this variant is rare. At this time, the clinical significance of this variant is uncertain due to the absence of conclusive functional and genetic evidence.